The following is an entry in ClinVar:

NM_000135.4(FANCA):c.3725T>C (p.Ile1242Thr)

Gene: FANCA (FA complementation group A; minus strand). Cytogenetic location: 16q24.3.
Variant type: single nucleotide variant.
Coding change: c.3725T>C on transcript NM_000135.4 (MANE Select); coding-DNA position 3725, T replaced by C.
Protein change: p.Ile1242Thr; replaces isoleucine 1242 with threonine.
Molecular consequence: missense variant.
Genome position (GRCh38, 1-based): chr16:89,742,840, A>G on the plus strand (T>C on the coding strand, the complement: FANCA is on the minus strand). VCF-style: chr16-89742840-A-G. GRCh37 (hg19) VCF-style: chr16-89809248-A-G.
Other names: c.3725T>C, p.Ile1242Thr (NM_001286167.3); short protein forms I1242T.
Identifiers: ClinVar variation 4619242 (VCV004619242.1).

ClinVar aggregate classification (germline): Uncertain significance (1 of 4 stars; one submission).

Conditions:
Inborn genetic diseases. Identifiers: MedGen C0950123, MeSH D030342.

gnomAD v4.1: 2 of 1,614,028 alleles (0.00012%); highest among the groups gnomAD compares: Non-Finnish European, 0.00017%; no homozygotes.

Submission:

Ambry Genetics
Classification: Uncertain significance for Inborn genetic diseases. Last evaluated: 2025-11-02. Review status: criteria provided, single submitter. Criteria: Ambry Variant Classification Scheme 2023. Collection method: clinical testing. Allele origin: germline.
Comment: The p.I1242T variant (also known as c.3725T>C), located in coding exon 37 of the FANCA gene, results from a T to C substitution at nucleotide position 3725. The isoleucine at codon 1242 is replaced by threonine, an amino acid with similar properties. This amino acid position is conserved. In addition, this alteration is predicted to be tolerated by in silico analysis. Based on the available evidence, the clinical significance of this variant remains unclear.